The following is an entry in ClinVar:

NM_024596.5(MCPH1):c.2354G>A (p.Arg785Gln)

Genes: MCPH1 (microcephalin 1; plus strand), MCPH1-AS1 (MCPH1 antisense RNA 1; minus strand). Cytogenetic location: 8p23.1.
Variant type: single nucleotide variant.
Coding change: c.2354G>A on transcript NM_024596.5 (MANE Select); coding-DNA position 2354, G replaced by A.
Protein change: p.Arg785Gln; replaces arginine 785 with glutamine.
Molecular consequence: missense variant. On other transcripts: non-coding transcript variant (1).
Genome position (GRCh38, 1-based): chr8:6,621,593, G>A. VCF-style: chr8-6621593-G-A. GRCh37 (hg19) VCF-style: chr8-6479114-G-A.
Other names: c.2354G>A, p.Arg785Gln (NM_001322042.2, NM_001363979.1, NM_001410917.1); c.2075G>A, p.Arg692Gln (NM_001363980.2); short protein forms R692Q, R785Q.
Identifiers: ClinVar variation 1922648 (VCV001922648.3), dbSNP rs773080293, ClinGen allele CA4611507.
Genomic context (GRCh38, chr8:6,621,593, plus strand): 5'-CGCCTGCCAGCAGCCCCCCAGTGGCCAAGCTCTGTGAACTAGTCCACCTGTGCGGAGGCC[G>A]GGTCAGCCAAGTCCCCCGCCAGGCCAGCATCGTCATCGGGCCCTACAGCGGAAAGAAGAA-3'
Protein context (NP_078872.3, residues 775-795): LCELVHLCGG[Arg785Gln]VSQVPRQASI

ClinVar aggregate classification (germline): Conflicting classifications of pathogenicity. Review status: criteria provided, conflicting classifications (1 of 4 stars). 2 submissions from 2 submitters: Uncertain significance (1); Likely benign (1). Last evaluated 2022-07-08.

Conditions:
Inborn genetic diseases. Identifiers: MedGen C0950123, MeSH D030342.

Allele frequency attached by ClinVar (database versions not stated): ExAC 0.00001; gnomAD exomes 0.00001; TOPMed 0.00002.
gnomAD v4.1: 9 of 1,614,186 alleles (0.00056%); highest among the groups gnomAD compares: East Asian, 0.0022%; no homozygotes.

Submissions (2):

Ambry Genetics
Classification: Likely benign for Inborn genetic diseases. Last evaluated: 2022-07-08. Review status: criteria provided, single submitter. Criteria: Ambry Variant Classification Scheme 2023. Collection method: clinical testing. Allele origin: germline.

Labcorp Genetics (formerly Invitae), Labcorp
Classification: Uncertain significance. Last evaluated: 2022-03-17. Review status: criteria provided, single submitter. Criteria: Invitae Variant Classification Sherloc (09022015). Collection method: clinical testing. Allele origin: germline.
Comment: This sequence change replaces arginine, which is basic and polar, with glutamine, which is neutral and polar, at codon 785 of the MCPH1 protein (p.Arg785Gln). This variant is present in population databases (rs773080293, gnomAD 0.003%). This variant has not been reported in the literature in individuals affected with MCPH1-related conditions. Algorithms developed to predict the effect of missense changes on protein structure and function output the following: SIFT: "Not Available"; PolyPhen-2: "Benign"; Align-GVGD: "Not Available". The glutamine amino acid residue is found in multiple mammalian species, which suggests that this missense change does not adversely affect protein function. In summary, the available evidence is currently insufficient to determine the role of this variant in disease. Therefore, it has been classified as a Variant of Uncertain Significance.